The following is an entry in ClinVar:

ClinVar aggregate classification (germline): Uncertain significance (1 of 4 stars; one submission).

Conditions:
ITSN1-related disorder. Also called: ITSN1-related condition.

gnomAD v4.1: 1 of 1,614,140 alleles (0.000062%); highest among the groups gnomAD compares: East Asian, 0.0022%; no homozygotes.

Submission:

PreventionGenetics, part of Exact Sciences
Classification: Uncertain significance for ITSN1-related condition. Last evaluated: 2024-12-03. Review status: criteria provided, single submitter. Criteria: ACMG Guidelines, 2015. Collection method: clinical testing. Allele origin: germline.
Comment: The ITSN1 c.4306A>G variant is predicted to result in the amino acid substitution p.Ile1436Val. To our knowledge, this variant has not been reported in the literature or in a large population database (gnomAD), indicating this variant is rare. At this time, the clinical significance of this variant is uncertain due to the absence of conclusive functional and genetic evidence.

NM_003024.3(ITSN1):c.4306A>G (p.Ile1436Val)

Gene: ITSN1 (intersectin 1; plus strand). Cytogenetic location: 21q22.11.
Variant type: single nucleotide variant.
Coding change: c.4306A>G on transcript NM_003024.3 (MANE Select); coding-DNA position 4306, A replaced by G.
Protein change: p.Ile1436Val; replaces isoleucine 1436 with valine.
Molecular consequence: missense variant.
Genome position (GRCh38, 1-based): chr21:33,875,486, A>G. VCF-style: chr21-33875486-A-G. GRCh37 (hg19) VCF-style: chr21-35247790-A-G.
Other names: c.4291A>G, p.Ile1431Val (NM_001331010.2); short protein forms I1431V, I1436V.
Identifiers: ClinVar variation 5001089 (VCV005001089.1).